The following is an entry in ClinVar:

NM_000256.3(MYBPC3):c.453T>C (p.Asp151=)

Gene: MYBPC3 (myosin binding protein C3; minus strand). Cytogenetic location: 11p11.2.
Variant type: single nucleotide variant.
Coding change: c.453T>C on transcript NM_000256.3 (MANE Select); coding-DNA position 453, T replaced by C.
Protein change: p.Asp151=; no amino-acid change (aspartic acid 151 retained).
Molecular consequence: synonymous variant.
Genome position (GRCh38, 1-based): chr11:47,350,066, A>G on the plus strand (T>C on the coding strand, the complement: MYBPC3 is on the minus strand). VCF-style: chr11-47350066-A-G. GRCh37 (hg19) VCF-style: chr11-47371617-A-G.
Identifiers: ClinVar variation 3387146 (VCV003387146.2).
Genomic context (GRCh38, chr11:47,350,066, plus strand): 5'-ACACTCACCCACGGTCACCTCGCCATCCTGTGGCCGCATCACGAAGAGGCCAATGGGGTC[A>G]TCGGGGGCTCCAGGGGTAGGACCATTGAGAGCTGCTGAGCTTGACCCTGTGAGCAAAGGC-3'
Protein context (NP_000247.2, residues 141-161): ALNGPTPGAP[Asp151=]DPIGLFVMRP

ClinVar aggregate classification (germline): Likely benign. Review status: criteria provided, multiple submitters, no conflicts (2 of 4 stars). 2 submissions from 2 submitters: Likely benign (2). Last evaluated 2026-03-27.

Conditions:
Hypertrophic cardiomyopathy. Also called: HYPERTROPHIC MYOCARDIOPATHY. Identifiers: Orphanet 217569, MedGen C0007194, MeSH D002312, MONDO:0005045, HP:0001639.

Submissions (2):

Molecular Diagnostic Laboratory for Inherited Cardiovascular Disease, Montreal Heart Institute
Classification: Likely benign. Last evaluated: 2026-03-27. Review status: criteria provided, single submitter. Criteria: ACMG Guidelines, 2015. Collection method: clinical testing. Allele origin: germline. Affected: no.
Comment: BP7

All of Us Research Program, National Institutes of Health
Classification: Likely benign for Hypertrophic cardiomyopathy. Last evaluated: 2024-06-11. Review status: criteria provided, single submitter. Criteria: ACMG Guidelines, 2015. Collection method: clinical testing. Allele origin: germline. Inheritance: Autosomal dominant inheritance. Observed: 1 variant allele, 1 heterozygote.
Comment: This study involves interpretation of variants in research participants for the purpose of population health screening. Participant phenotype was not available at the time of variant classification. Additional details can be found in publication PMID: 35346344, PMCID: PMC8962531